The following is an entry in ClinVar:

ClinVar aggregate classification (germline): Likely benign (1 of 4 stars; one submission).

gnomAD v4.1: 1,072 of 1,610,482 alleles (0.067%); highest among the groups gnomAD compares: African/African-American, 1.3%; 8 homozygotes.

Submission:

Women's Health and Genetics/Laboratory Corporation of America, LabCorp
Classification: Likely benign. Last evaluated: 2026-04-16. Review status: criteria provided, single submitter. Criteria: LabCorp Variant Classification Summary - May 2015. Collection method: clinical testing. Allele origin: germline.
Comment: Variant summary: ITPKB c.565A>G (p.Arg189Gly) results in a non-conservative amino acid change in the encoded protein sequence. Algorithms developed to predict the effect of missense changes on protein structure and function are either unavailable or do not agree on the potential impact of this missense change. The variant allele was found at a frequency of 0.00094 in 245526 control chromosomes, predominantly at a frequency of 0.015 within the African or African-American subpopulation in the gnomAD database, including 4 homozygotes. The observed variant frequency within African or African-American control individuals in the gnomAD database exceeds the estimated maximal expected allele frequency for disease-causing variants in ITPKB. To our knowledge, no occurrence of c.565A>G in individuals affected with ITPKB-related conditions and no experimental evidence demonstrating its impact on protein function have been reported. No submitters have cited clinical-significance assessments for this variant to ClinVar. Based on the evidence outlined above, the variant was classified as likely benign.

NM_002221.4(ITPKB):c.565A>G (p.Arg189Gly)

Gene: ITPKB (inositol-trisphosphate 3-kinase B; minus strand). Cytogenetic location: 1q42.12.
Variant type: single nucleotide variant.
Coding change: c.565A>G on transcript NM_002221.4 (MANE Select); coding-DNA position 565, A replaced by G.
Protein change: p.Arg189Gly; replaces arginine 189 with glycine.
Molecular consequence: missense variant.
Genome position (GRCh38, 1-based): chr1:226,736,894, T>C on the plus strand (A>G on the coding strand, the complement: ITPKB is on the minus strand). VCF-style: chr1-226736894-T-C. GRCh37 (hg19) VCF-style: chr1-226924595-T-C.
Other names: c.565A>G, p.Arg189Gly (NM_001388404.1); short protein forms R189G.
Identifiers: ClinVar variation 4848487 (VCV004848487.1).